The following is an entry in ClinVar:

ClinVar aggregate classification (germline): Pathogenic. Review status: criteria provided, multiple submitters, no conflicts (2 of 4 stars). 4 submissions from 4 submitters: Pathogenic (4). Last evaluated 2026-06-29.

Conditions:
Tuberous sclerosis 2 (TSC2). Identifiers: Orphanet 805, MedGen C1860707, MONDO:0013199, OMIM 613254.

Submissions (4):

Laboratory of Medical Genetics, University of Torino
Classification: Pathogenic for Tuberous sclerosis 2. Last evaluated: 2026-06-29. Review status: criteria provided, single submitter. Criteria: ACMG Guidelines, 2015. Collection method: clinical testing. Allele origin: de novo. Affected: yes.

Athena Diagnostics
Classification: Pathogenic. Last evaluated: 2024-04-23. Review status: criteria provided, single submitter. Criteria: Athena Diagnostics Criteria. Collection method: clinical testing. Allele origin: unknown.
Comment: This variant has not been reported in large, multi-ethnic general populations. This variant has been confirmed to occur de novo in multiple individuals with clinical features associated with this gene.

Division of Genomic Medicine, Department of Advanced Medicine, Medical Research Institute, Kanazawa Medical University
Classification: Pathogenic for Tuberous sclerosis 2. Last evaluated: 2022-07-17. Review status: criteria provided, single submitter. Criteria: ACMG Guidelines, 2015. Collection method: clinical testing. Allele origin: germline. Affected: yes. Observed: 1 variant allele.

Medical Genetics Center, Maternal and Child Health Hospital of Hubei Province
Classification: Pathogenic for Tuberous sclerosis 2. Last evaluated: 2021-02-06. Review status: criteria provided, single submitter. Criteria: ACMG Guidelines, 2015. Collection method: clinical testing. Allele origin: de novo. Affected: yes.

Literature cited by the submitters: PubMed 36232477 (cited by Athena Diagnostics); PubMed 37880672 (cited by Athena Diagnostics).

NM_000548.5(TSC2):c.5239_5256del (p.Ile1747_Gln1752del)

Gene: TSC2 (TSC complex subunit 2; plus strand). Cytogenetic location: 16p13.3.
Variant type: Deletion.
Coding change: c.5239_5256del on transcript NM_000548.5 (MANE Select); coding-DNA positions 5239 to 5256, 18 bases deleted (ATCAAGCGGCTCCGCCAG).
Protein change: p.Ile1747_Gln1752del.
Molecular consequence: inframe deletion.
Genome position (GRCh38, 1-based): chr16:2,088,305-2,088,322, ATCAAGCGGCTCCGCCAG deleted. VCF-style (leftmost placement, unchanged base first): chr16-2088304-CATCAAGCGGCTCCGCCAG-C. GRCh37 (hg19) VCF-style: chr16-2138305-CATCAAGCGGCTCCGCCAG-C.
Other names: c.5038_5055del, p.Ile1680_Gln1685del (NM_001077183.3); c.5170_5187del, p.Ile1724_Gln1729del (NM_001114382.3); c.4930_4947del, p.Ile1644_Gln1649del (NM_001318827.2); c.4894_4911del, p.Ile1632_Gln1637del (NM_001318829.2); c.4507_4524del, p.Ile1503_Gln1508del (NM_001318831.2); c.5071_5088del, p.Ile1691_Gln1696del (NM_001318832.2); c.5041_5058del, p.Ile1681_Gln1686del (NM_001363528.2); c.5107_5124del, p.Ile1703_Gln1708del (NM_001370404.1); and 3 more.
Identifiers: ClinVar variation 1696789 (VCV001696789.4), dbSNP rs2151632008, ClinGen allele CA2580091166.
Genomic context (GRCh38, chr16:2,088,304, plus strand): 5'-TCATAGCCGCTCCAACCCCACCGATATCTACCCCTCCAAGTGGATTGCCCGGCTCCGCCA[CATCAAGCGGCTCCGCCAG>C]CGGGTAGGGAATATGGGGCTCCCTCAGCGGGGTGTGCTGGCTGCCCAAGCTGTGGGGCGG-3'